The following is an entry in ClinVar:

NM_030928.4(CDT1):c.933+3G>A

Gene: CDT1 (chromatin licensing and DNA replication factor 1; plus strand). Cytogenetic location: 16q24.3.
Variant type: single nucleotide variant.
Coding change: c.933+3G>A on transcript NM_030928.4 (MANE Select); 3 bases into the intron after coding-DNA position 933, G replaced by A.
Molecular consequence: intron variant.
Genome position (GRCh38, 1-based): chr16:88,806,124, G>A. VCF-style: chr16-88806124-G-A. GRCh37 (hg19) VCF-style: chr16-88872532-G-A.
Other names: c.933+3G>A (NM_030928.3).
Identifiers: ClinVar variation 1405107 (VCV001405107.9), dbSNP rs146476365, ClinGen allele CA8233898.

ClinVar aggregate classification (germline): Uncertain significance. Review status: criteria provided, single submitter (1 of 4 stars). 2 submissions from 2 submitters: Uncertain significance (1). 1 of the submissions does not count toward it. Last evaluated 2024-12-09.

Conditions:
CDT1-related disorder. Also called: CDT1-related condition.

Allele frequency attached by ClinVar (database versions not stated): TOPMed 0.00009; gnomAD 0.00012; gnomAD exomes 0.00012; 1000 Genomes Project 30x 0.00016.
gnomAD v4.1: 196 of 1,592,816 alleles (0.012%); highest among the groups gnomAD compares: Non-Finnish European, 0.01%; no homozygotes.

Submissions (2):

Labcorp Genetics (formerly Invitae), Labcorp
Classification: Uncertain significance. Last evaluated: 2024-12-09. Review status: criteria provided, single submitter. Criteria: Invitae Variant Classification Sherloc (09022015). Collection method: clinical testing. Allele origin: germline.
Comment: This sequence change falls in intron 6 of the CDT1 gene. It does not directly change the encoded amino acid sequence of the CDT1 protein. It affects a nucleotide within the consensus splice site. This variant is present in population databases (rs146476365, gnomAD 0.1%). This variant has not been reported in the literature in individuals affected with CDT1-related conditions. ClinVar contains an entry for this variant (Variation ID: 1405107). Variants that disrupt the consensus splice site are a relatively common cause of aberrant splicing (PMID: 17576681, 9536098). Algorithms developed to predict the effect of sequence changes on RNA splicing suggest that this variant is not likely to affect RNA splicing. In summary, the available evidence is currently insufficient to determine the role of this variant in disease. Therefore, it has been classified as a Variant of Uncertain Significance.

PreventionGenetics, part of Exact Sciences
Classification: Likely benign for CDT1-related condition. Last evaluated: 2019-07-22. Review status: no assertion criteria provided. Collection method: clinical testing. Allele origin: germline. Not counted in ClinVar's aggregate classification.
Comment: This variant is classified as likely benign based on ACMG/AMP sequence variant interpretation guidelines (Richards et al. 2015 PMID: 25741868, with internal and published modifications).

Literature cited by the submitters: PubMed 17576681 (cited by Labcorp Genetics (formerly Invitae), Labcorp); PubMed 9536098 (cited by Labcorp Genetics (formerly Invitae), Labcorp).